The following is an entry in ClinVar:

NM_001370259.2(MEN1):c.196A>C (p.Ser66Arg)

Gene: MEN1 (menin 1; minus strand). Cytogenetic location: 11q13.1.
Variant type: single nucleotide variant.
Coding change: c.196A>C on transcript NM_001370259.2 (MANE Select); coding-DNA position 196, A replaced by C.
Protein change: p.Ser66Arg; replaces serine 66 with arginine.
Molecular consequence: missense variant.
Genome position (GRCh38, 1-based): chr11:64,809,914, T>G on the plus strand (A>C on the coding strand, the complement: MEN1 is on the minus strand). VCF-style: chr11-64809914-T-G. GRCh37 (hg19) VCF-style: chr11-64577386-T-G.
Other names: c.196A>C (NM_130799.2); c.196A>C, p.Ser66Arg (NM_130800.3, NM_130801.3, NM_130802.3 and 9 more transcripts); short protein forms S66R.
Identifiers: ClinVar variation 1056099 (VCV001056099.10), dbSNP rs1942005110, ClinGen allele CA381187669.

ClinVar aggregate classification (germline): Conflicting classifications of pathogenicity. Review status: criteria provided, conflicting classifications (1 of 4 stars). 3 submissions from 3 submitters: Uncertain significance (2); Likely benign (1). Last evaluated 2026-01-02.

Conditions:
Hereditary cancer-predisposing syndrome. Also called: Hereditary Cancer Syndrome; Tumor predisposition; Hereditary neoplastic syndrome; Neoplastic Syndromes, Hereditary. Identifiers: Orphanet 140162, MedGen C0027672, MeSH D009386, MONDO:0015356.
Multiple endocrine neoplasia, type 1 (MEN1). Also called: MEN I; WERMER SYNDROME; Endocrine adenomatosis multiple; MEN 1; MEA I. Identifiers: Orphanet 652, MedGen C0025267, MeSH D018761, MONDO:0007540, OMIM 131100.

Allele frequency attached by ClinVar (database versions not stated): gnomAD exomes below 0.00001.
gnomAD v4.1: 3 of 1,587,450 alleles (0.00019%); highest among the groups gnomAD compares: Non-Finnish European, 0.00026%; no homozygotes.

Submissions (3):

Labcorp Genetics (formerly Invitae), Labcorp
Classification: Likely benign for Multiple endocrine neoplasia, type 1. Last evaluated: 2026-01-02. Review status: criteria provided, single submitter. Criteria: Invitae Variant Classification Sherloc (09022015). Collection method: clinical testing. Allele origin: germline.

Ambry Genetics
Classification: Uncertain significance for Hereditary cancer-predisposing syndrome. Last evaluated: 2025-05-25. Review status: criteria provided, single submitter. Criteria: Ambry Variant Classification Scheme 2023. Collection method: clinical testing. Allele origin: germline.
Comment: The p.S66R variant (also known as c.196A>C), located in coding exon 1 of the MEN1 gene, results from an A to C substitution at nucleotide position 196. The serine at codon 66 is replaced by arginine, an amino acid with dissimilar properties. This amino acid position is conserved. In addition, the in silico prediction for this alteration is inconclusive. Since supporting evidence is limited at this time, the clinical significance of this alteration remains unclear.

Baylor Genetics
Classification: Uncertain significance for Multiple Endocrine Neoplasia Type 1. Last evaluated: 2023-07-21. Review status: criteria provided, single submitter. Criteria: ACMG Guidelines, 2015. Collection method: clinical testing. Allele origin: unknown.